The following is an entry in ClinVar:

ClinVar aggregate classification (germline): Uncertain significance. Review status: criteria provided, multiple submitters, no conflicts (2 of 4 stars). 2 submissions from 2 submitters: Uncertain significance (2). Last evaluated 2025-12-31.

Conditions:
Glycogen storage disease due to muscle and heart glycogen synthase deficiency. Also called: GSD 0b; MUSCLE GLYCOGEN SYNTHASE DEFICIENCY. Identifiers: Orphanet 137625, MedGen C1969054, MONDO:0012693, OMIM 611556.
Inborn genetic diseases. Identifiers: MedGen C0950123, MeSH D030342.

gnomAD v4.1: 4 of 1,614,144 alleles (0.00025%); highest among the groups gnomAD compares: South Asian, 0.0033%; no homozygotes.

Submissions (2):

Labcorp Genetics (formerly Invitae), Labcorp
Classification: Uncertain significance for Glycogen storage disease due to muscle and heart glycogen synthase deficiency. Last evaluated: 2025-12-31. Review status: criteria provided, single submitter. Criteria: Invitae Variant Classification Sherloc (09022015). Collection method: clinical testing. Allele origin: germline.
Comment: This sequence change replaces asparagine, which is neutral and polar, with serine, which is neutral and polar, at codon 61 of the GYS1 protein (p.Asn61Ser). This variant is present in population databases (rs757853500, gnomAD 0.006%). This variant has not been reported in the literature in individuals affected with GYS1-related conditions. ClinVar contains an entry for this variant (Variation ID: 4268168). Invitae Evidence Modeling of protein sequence and biophysical properties (such as structural, functional, and spatial information, amino acid conservation, physicochemical variation, residue mobility, and thermodynamic stability) indicates that this missense variant is not expected to disrupt GYS1 protein function with a negative predictive value of 80%. In summary, the available evidence is currently insufficient to determine the role of this variant in disease. Therefore, it has been classified as a Variant of Uncertain Significance.

Ambry Genetics
Classification: Uncertain significance for Inborn genetic diseases. Last evaluated: 2025-08-31. Review status: criteria provided, single submitter. Criteria: Ambry Variant Classification Scheme 2023. Collection method: clinical testing. Allele origin: germline.

NM_002103.5(GYS1):c.182A>G (p.Asn61Ser)

Gene: GYS1 (glycogen synthase 1; minus strand). Cytogenetic location: 19q13.33.
Variant type: single nucleotide variant.
Coding change: c.182A>G on transcript NM_002103.5 (MANE Select); coding-DNA position 182, A replaced by G.
Protein change: p.Asn61Ser; replaces asparagine 61 with serine.
Molecular consequence: missense variant.
Genome position (GRCh38, 1-based): chr19:48,991,420, T>C on the plus strand (A>G on the coding strand, the complement: GYS1 is on the minus strand). VCF-style: chr19-48991420-T-C. GRCh37 (hg19) VCF-style: chr19-49494677-T-C.
Other names: c.182A>G, p.Asn61Ser (NM_001161587.2); short protein forms N61S.
Identifiers: ClinVar variation 4268168 (VCV004268168.2).